The following is an entry in ClinVar:

ClinVar aggregate classification (germline): Uncertain significance (1 of 4 stars; one submission).

Conditions:
Cardiovascular phenotype. Identifiers: MedGen CN230736.

gnomAD v4.1: 1 of 1,613,854 alleles (0.000062%); highest among the groups gnomAD compares: East Asian, 0.0022%; no homozygotes.

Submission:

Ambry Genetics
Classification: Uncertain significance for Cardiovascular phenotype. Last evaluated: 2023-07-21. Review status: criteria provided, single submitter. Criteria: Ambry Variant Classification Scheme 2023. Collection method: clinical testing. Allele origin: germline.
Comment: The p.M491L variant (also known as c.1471A>T), located in coding exon 8 of the AKAP9 gene, results from an A to T substitution at nucleotide position 1471. The methionine at codon 491 is replaced by leucine, an amino acid with highly similar properties. This amino acid position is not well conserved in available vertebrate species. In addition, this alteration is predicted to be tolerated by in silico analysis. The evidence for this gene-disease relationship is limited; therefore, the clinical significance of this alteration is unclear.

NM_005751.5(AKAP9):c.1471A>T (p.Met491Leu)

Gene: AKAP9 (A-kinase anchoring protein 9; plus strand). Cytogenetic location: 7q21.2.
Variant type: single nucleotide variant.
Coding change: c.1471A>T on transcript NM_005751.5 (MANE Select); coding-DNA position 1471, A replaced by T.
Protein change: p.Met491Leu; replaces methionine 491 with leucine.
Molecular consequence: missense variant.
Genome position (GRCh38, 1-based): chr7:92,001,388, A>T. VCF-style: chr7-92001388-A-T. GRCh37 (hg19) VCF-style: chr7-91630702-A-T.
Other names: c.1471A>T, p.Met491Leu (NM_147185.3); short protein forms M491L.
Identifiers: ClinVar variation 2626284 (VCV002626284.2), dbSNP rs770332643, ClinGen allele CA368121868.
Genomic context (GRCh38, chr7:92,001,388, plus strand): 5'-ATGGAGAATGCTTTAAGGTCATATTCAAATATTACAGTTAATGAAGATCAGATAAAGTTA[A>T]TGAATGTGGCAATAAATGAACTGAATATAAAATTGCAAGATACTAACTCTCAAAAGGAAA-3'
Protein context (NP_005742.4, residues 481-501): ITVNEDQIKL[Met491Leu]NVAINELNIK